The following is an entry in ClinVar:

ClinVar aggregate classification (germline): Uncertain significance (1 of 4 stars; one submission).

gnomAD v4.1: 23 of 1,580,496 alleles (0.0015%); highest among the groups gnomAD compares: Middle Eastern, 0.017%; no homozygotes.

Submission:

Labcorp Genetics (formerly Invitae), Labcorp
Classification: Uncertain significance. Last evaluated: 2025-07-29. Review status: criteria provided, single submitter. Criteria: Invitae Variant Classification Sherloc (09022015). Collection method: clinical testing. Allele origin: germline.
Comment: This sequence change replaces proline, which is neutral and non-polar, with serine, which is neutral and polar, at codon 16 of the DSTYK protein (p.Pro16Ser). This variant is present in population databases (rs761213465, gnomAD 0.01%). This variant has not been reported in the literature in individuals affected with DSTYK-related conditions. ClinVar contains an entry for this variant (Variation ID: 1905588). An algorithm developed to predict the effect of missense changes on protein structure and function (PolyPhen-2) suggests that this variant is likely to be disruptive. In summary, the available evidence is currently insufficient to determine the role of this variant in disease. Therefore, it has been classified as a Variant of Uncertain Significance.

NM_015375.3(DSTYK):c.46C>T (p.Pro16Ser)

Gene: DSTYK (dual serine/threonine and tyrosine protein kinase; minus strand). Cytogenetic location: 1q32.1.
Variant type: single nucleotide variant.
Coding change: c.46C>T on transcript NM_015375.3 (MANE Select); coding-DNA position 46, C replaced by T.
Protein change: p.Pro16Ser; replaces proline 16 with serine.
Molecular consequence: missense variant.
Genome position (GRCh38, 1-based): chr1:205,211,490, G>A on the plus strand (C>T on the coding strand, the complement: DSTYK is on the minus strand). VCF-style: chr1-205211490-G-A. GRCh37 (hg19) VCF-style: chr1-205180618-G-A.
Other names: c.46C>T, p.Pro16Ser (NM_199462.3); short protein forms P16S.
Identifiers: ClinVar variation 1905588 (VCV001905588.5), dbSNP rs761213465, ClinGen allele CA1353146.